The following is an entry in ClinVar:

NM_000179.3(MSH6):c.2131C>A (p.Pro711Thr)

Gene: MSH6 (mutS homolog 6; plus strand). Cytogenetic location: 2p16.3.
Variant type: single nucleotide variant.
Coding change: c.2131C>A on transcript NM_000179.3 (MANE Select); coding-DNA position 2131, C replaced by A.
Protein change: p.Pro711Thr; replaces proline 711 with threonine.
Molecular consequence: missense variant.
Genome position (GRCh38, 1-based): chr2:47,800,114, C>A. VCF-style: chr2-47800114-C-A. GRCh37 (hg19) VCF-style: chr2-48027253-C-A.
Other names: c.1741C>A, p.Pro581Thr (NM_001281492.2); c.1225C>A, p.Pro409Thr (NM_001281493.2, NM_001281494.2); short protein forms P711T, P409T, P581T.
Identifiers: ClinVar variation 483797 (VCV000483797.9), dbSNP rs878853714, ClinGen allele CA346751032.
Genomic context (GRCh38, chr2:47,800,114, plus strand): 5'-CTCAAAAAATGCCTTATTGATCAGGAGCTTTTATCAATGGCTAATTTTGAAGAATATATT[C>A]CCTTGGATTCTGACACAGTCAGCACTACAAGATCTGGTGCTATCTTCACCAAAGCCTATC-3'
Protein context (NP_000170.1, residues 701-721): LSMANFEEYI[Pro711Thr]LDSDTVSTTR

ClinVar aggregate classification (germline): Uncertain significance. Review status: criteria provided, multiple submitters, no conflicts (2 of 4 stars). 3 submissions from 3 submitters: Uncertain significance (3). Last evaluated 2025-06-23.

Conditions:
Hereditary nonpolyposis colorectal neoplasms. Identifiers: MedGen C0009405, MeSH D003123.
Hereditary cancer-predisposing syndrome. Also called: Neoplastic Syndromes, Hereditary; Tumor predisposition; Hereditary Cancer Syndrome; Hereditary neoplastic syndrome. Identifiers: Orphanet 140162, MedGen C0027672, MeSH D009386, MONDO:0015356.

Submissions (3):

Color Diagnostics, LLC DBA Color Health
Classification: Uncertain significance for Hereditary cancer-predisposing syndrome. Last evaluated: 2025-06-23. Review status: criteria provided, single submitter. Criteria: ACMG Guidelines, 2015. Collection method: clinical testing. Allele origin: germline.
Comment: This missense variant replaces proline with threonine at codon 711 of the MSH6 protein. Computational prediction suggests that this variant may have deleterious impact on protein structure and function. To our knowledge, functional studies have not been reported for this variant. This variant has not been reported in individuals affected with MSH6-related disorders in the literature. This variant has not been identified in the general population by the Genome Aggregation Database (gnomAD). The available evidence is insufficient to determine the role of this variant in disease conclusively. Therefore, this variant is classified as a Variant of Uncertain Significance.

Labcorp Genetics (formerly Invitae), Labcorp
Classification: Uncertain significance for Hereditary nonpolyposis colorectal neoplasms. Last evaluated: 2023-06-30. Review status: criteria provided, single submitter. Criteria: Invitae Variant Classification Sherloc (09022015). Collection method: clinical testing. Allele origin: germline.
Comment: This sequence change replaces proline, which is neutral and non-polar, with threonine, which is neutral and polar, at codon 711 of the MSH6 protein (p.Pro711Thr). This variant is not present in population databases (gnomAD no frequency). This variant has not been reported in the literature in individuals affected with MSH6-related conditions. ClinVar contains an entry for this variant (Variation ID: 483797). Advanced modeling of protein sequence and biophysical properties (such as structural, functional, and spatial information, amino acid conservation, physicochemical variation, residue mobility, and thermodynamic stability) has been performed at Invitae for this missense variant, however the output from this modeling did not meet the statistical confidence thresholds required to predict the impact of this variant on MSH6 protein function. In summary, the available evidence is currently insufficient to determine the role of this variant in disease. Therefore, it has been classified as a Variant of Uncertain Significance.

Ambry Genetics
Classification: Uncertain significance for Hereditary cancer-predisposing syndrome. Last evaluated: 2016-04-21. Review status: criteria provided, single submitter. Criteria: Ambry Variant Classification Scheme 2023. Collection method: clinical testing. Allele origin: germline.
Comment: The p.P711T variant (also known as c.2131C>A), located in coding exon 4 of the MSH6 gene, results from a C to A substitution at nucleotide position 2131. The proline at codon 711 is replaced by threonine, an amino acid with highly similar properties. This variant was not reported in population based cohorts in the following databases: Database of Single Nucleotide Polymorphisms (dbSNP), NHLBI Exome Sequencing Project (ESP), and 1000 Genomes Project. In the ESP, this variant was not observed in 6503 samples (13006 alleles) with coverage at this position. To date, this alteration has been detected with an allele frequency of approximately 0.001% (greater than 115000 alleles tested) in our clinical cohort. This amino acid position is highly conserved in available vertebrate species. In addition, this alteration is predicted to be deleterious by in silico analysis. In addition, the CoDP in silico tool predicts this alteration to have a moderate impact on molecular function, with a score of 0.636 (Terui H et al. J. Biomed. Sci. 2013;20:25). Since supporting evidence is limited at this time, the clinical significance of this alteration remains unclear.